The following is an entry in ClinVar:

NM_012243.3(SLC35A3):c.388del (p.Ser130fs)

Gene: SLC35A3 (solute carrier family 35 member A3; plus strand). Cytogenetic location: 1p21.2.
Variant type: Deletion.
Coding change: c.388del on transcript NM_012243.3 (MANE Select); coding-DNA position 388, one base deleted (T; older notation c.388delT).
Protein change: p.Ser130fs; shifts the reading frame from serine 130.
Molecular consequence: frameshift variant. On other transcripts: intron variant (3).
Genome position (GRCh38, 1-based): chr1:100,007,079, T deleted. VCF-style (leftmost placement, unchanged base first): chr1-100007078-GT-G. GRCh37 (hg19) VCF-style: chr1-100472634-GT-G.
Other names: c.388del, p.Ser130fs (NM_001271684.2, NM_001438725.1, NM_001438728.1); c.514del, p.Ser172fs (NM_001271685.2); c.343-4286del (NM_001437717.1, NM_001437713.1, NM_001438729.1); short protein forms S130fs, S172fs.
Identifiers: ClinVar variation 5013512 (VCV005013512.1).

ClinVar aggregate classification (germline): Pathogenic (1 of 4 stars; one submission).

Conditions:
Autism spectrum disorder - epilepsy - arthrogryposis syndrome (AMRS). Identifiers: Orphanet 370943, MedGen C3809910, MONDO:0014248, OMIM 615553.

Submission:

Myriad Genetics, Inc.
Classification: Pathogenic for Autism spectrum disorder - epilepsy - arthrogryposis syndrome. Last evaluated: 2024-08-31. Review status: criteria provided, single submitter. Criteria: Myriad Autosomal Dominant, Autosomal Recessive and X-Linked Classification Criteria (2023). Collection method: clinical testing. Allele origin: unknown.
Comment: NM_001271685.1(SLC35A3):c.514delT(S172Lfs*15) is expected to be pathogenic in the context of arthrogryposis, impaired intellectual development, and seizures. This variant is predicted to lead to an abnormal or absent protein product due to the creation of a premature termination codon in SLC35A3, a gene where loss-of-function variants are known to be pathogenic. Please note: this variant was assessed in the context of healthy population screening.